The following is an entry in ClinVar:

ClinVar aggregate classification (germline): Uncertain significance (1 of 4 stars; one submission).

Conditions:
Autosomal recessive limb-girdle muscular dystrophy type 2A (LGMDR1). Also called: MUSCULAR DYSTROPHY, PELVOFEMORAL; Limb-girdle muscular dystrophy, type 2A; Muscular dystrophy, limb-girdle, type 2A, Amish; Calpainopathy; LEYDEN-MOEBIUS MUSCULAR DYSTROPHY. Identifiers: Orphanet 267, MedGen C1869123, MONDO:0009675, OMIM 253600. Disease mechanism: loss of function.

Allele frequency attached by ClinVar (database versions not stated): gnomAD 0.00001; gnomAD exomes 0.00001; ExAC 0.00002.
gnomAD v4.1: 6 of 1,611,864 alleles (0.00037%); highest among the groups gnomAD compares: South Asian, 0.0033%; no homozygotes.

Submission:

Labcorp Genetics (formerly Invitae), Labcorp
Classification: Uncertain significance for Autosomal recessive limb-girdle muscular dystrophy type 2A. Last evaluated: 2024-09-27. Review status: criteria provided, single submitter. Criteria: Invitae Variant Classification Sherloc (09022015). Collection method: clinical testing. Allele origin: germline.
Comment: This sequence change replaces threonine, which is neutral and polar, with asparagine, which is neutral and polar, at codon 599 of the CAPN3 protein (p.Thr599Asn). This variant is present in population databases (rs768832864, gnomAD 0.003%). This variant has not been reported in the literature in individuals affected with CAPN3-related conditions. ClinVar contains an entry for this variant (Variation ID: 1399961). An algorithm developed to predict the effect of missense changes on protein structure and function outputs the following: PolyPhen-2: "Benign". The asparagine amino acid residue is found in multiple mammalian species, which suggests that this missense change does not adversely affect protein function. In summary, the available evidence is currently insufficient to determine the role of this variant in disease. Therefore, it has been classified as a Variant of Uncertain Significance.

NM_000070.3(CAPN3):c.1796C>A (p.Thr599Asn)

Gene: CAPN3 (calpain 3; plus strand). Cytogenetic location: 15q15.1.
Variant type: single nucleotide variant.
Coding change: c.1796C>A on transcript NM_000070.3 (MANE Select); coding-DNA position 1796, C replaced by A.
Protein change: p.Thr599Asn; replaces threonine 599 with asparagine.
Molecular consequence: missense variant. On other transcripts: 5 prime UTR variant (1), intron variant (3).
Genome position (GRCh38, 1-based): chr15:42,405,939, C>A. VCF-style: chr15-42405939-C-A. GRCh37 (hg19) VCF-style: chr15-42698137-C-A.
Other names: c.260C>A, p.Thr87Asn (NM_173088.2); c.-86C>A (NM_173090.2); c.1782+2162C>A (NM_024344.2); c.1638+2162C>A (NM_173087.2); c.-82+984C>A (NM_173089.2); short protein forms T87N, T599N.
Identifiers: ClinVar variation 1399961 (VCV001399961.5), dbSNP rs768832864, ClinGen allele CA7511537.